The following is an entry in ClinVar:

ClinVar aggregate classification (germline): Conflicting classifications of pathogenicity. Review status: criteria provided, conflicting classifications (1 of 4 stars). 3 submissions from 3 submitters: Uncertain significance (1); Likely benign (2). Last evaluated 2025-03-17.

Conditions:
Tyrosinase-positive oculocutaneous albinism (OCA2). Also called: Albinism, oculocutaneous, type II; ALBINISM II; Oculocutaneous albinism type 2. Identifiers: Orphanet 79432, MedGen C0268495, MONDO:0008746, OMIM 203200.

Allele frequency attached by ClinVar (database versions not stated): TOPMed 0.00003.
gnomAD v4.1: 30 of 1,613,466 alleles (0.0019%); highest among the groups gnomAD compares: Middle Eastern, 0.016%; no homozygotes.

Submissions (3):

Labcorp Genetics (formerly Invitae), Labcorp
Classification: Likely benign. Last evaluated: 2025-03-17. Review status: criteria provided, single submitter. Criteria: Invitae Variant Classification Sherloc (09022015). Collection method: clinical testing. Allele origin: germline.

Blueprint Genetics
Classification: Likely benign. Last evaluated: 2024-10-25. Review status: criteria provided, single submitter. Criteria: ACMG Guidelines, 2015. Collection method: clinical testing. Allele origin: germline.

Illumina Laboratory Services, Illumina
Classification: Uncertain significance for Tyrosinase-positive oculocutaneous albinism. Last evaluated: 2017-04-28. Review status: criteria provided, single submitter. Criteria: ICSL Variant Classification Criteria 13 December 2019. Collection method: clinical testing. Allele origin: germline.
Comment: This variant was observed as part of a predisposition screen in an ostensibly healthy population. A literature search was performed for the gene, cDNA change, and amino acid change (where applicable). Publications were found based on this search. However, the evidence from the literature, in combination with allele frequency data from public databases where available, was not sufficient to rule this variant in or out of causing disease. Therefore, this variant is classified as a variant of unknown significance.

Literature cited by the submitters: PubMed 8302318 (cited by Illumina Laboratory Services, Illumina).

NM_000275.3(OCA2):c.2229G>A (p.Pro743=)

Gene: OCA2 (OCA2 melanosomal transmembrane protein; minus strand). Cytogenetic location: 15q13.1.
Variant type: single nucleotide variant.
Coding change: c.2229G>A on transcript NM_000275.3 (MANE Select); coding-DNA position 2229, G replaced by A.
Protein change: p.Pro743=; no amino-acid change (proline 743 retained).
Molecular consequence: synonymous variant.
Genome position (GRCh38, 1-based): chr15:27,871,169, C>T on the plus strand (G>A on the coding strand, the complement: OCA2 is on the minus strand). VCF-style: chr15-27871169-C-T. GRCh37 (hg19) VCF-style: chr15-28116315-C-T.
Other names: c.2157G>A, p.Pro719= (NM_001300984.2).
Identifiers: ClinVar variation 887067 (VCV000887067.14), dbSNP rs41307118, ClinGen allele CA7438706.